The following is an entry in ClinVar:

ClinVar aggregate classification (germline): Uncertain significance (1 of 4 stars; one submission).

Conditions:
Hereditary cancer-predisposing syndrome. Also called: Tumor predisposition; Hereditary Cancer Syndrome; Hereditary neoplastic syndrome; Neoplastic Syndromes, Hereditary. Identifiers: Orphanet 140162, MedGen C0027672, MeSH D009386, MONDO:0015356.

Submission:

Ambry Genetics
Classification: Uncertain significance for Hereditary cancer-predisposing syndrome. Last evaluated: 2023-08-22. Review status: criteria provided, single submitter. Criteria: Ambry Variant Classification Scheme 2023. Collection method: clinical testing. Allele origin: germline.
Comment: The p.N67K variant (also known as c.201T>A), located in coding exon 3 of the RAD51D gene, results from a T to A substitution at nucleotide position 201. The asparagine at codon 67 is replaced by lysine, an amino acid with similar properties. This amino acid position is well conserved in available vertebrate species. In addition, this alteration is predicted to be tolerated by in silico analysis. Since supporting evidence is limited at this time, the clinical significance of this alteration remains unclear.

NM_002878.4(RAD51D):c.201T>A (p.Asn67Lys)

Genes: RAD51D (RAD51 paralog D; minus strand), RAD51L3-RFFL (RAD51L3-RFFL readthrough; minus strand). Cytogenetic location: 17q12.
Variant type: single nucleotide variant.
Coding change: c.201T>A on transcript NM_002878.4 (MANE Select); coding-DNA position 201, T replaced by A.
Protein change: p.Asn67Lys; replaces asparagine 67 with lysine.
Molecular consequence: missense variant. On other transcripts: intron variant (2).
Genome position (GRCh38, 1-based): chr17:35,118,563, A>T on the plus strand (T>A on the coding strand, the complement: RAD51D is on the minus strand). VCF-style: chr17-35118563-A-T. GRCh37 (hg19) VCF-style: chr17-33445582-A-T.
Other names: c.144+548T>A (NM_133629.3, NM_001142571.2); short protein forms N67K.
Identifiers: ClinVar variation 2625300 (VCV002625300.2), dbSNP rs2142474271, ClinGen allele CA399091376.